The following is an entry in ClinVar:

Conditions:
Breast-ovarian cancer, familial, susceptibility to, 1 (BROVCA1). Also called: BRCA1 Hereditary Breast and Ovarian Cancer; OVARIAN CANCER, SUSCEPTIBILITY TO. Identifiers: Orphanet 145, MedGen C2676676, MONDO:0011450, OMIM 604370. Disease mechanism: loss of function.

Submission:

Brotman Baty Institute, University of Washington
No classification provided (evidence only). Condition: Breast-ovarian cancer, familial 1. Review status: no classification provided. Collection method: in vitro. Allele origin: not applicable. Functional consequence: functionally_normal.
ClinVar note: "not provided" was previously submitted as the classification for the variant. However, the classification appeared to be based only on an observation of functional data so it was converted to no classification on 2025-07-30.

NM_007294.4(BRCA1):c.5153-19T>A

Gene: BRCA1 (BRCA1 DNA repair associated; minus strand). Cytogenetic location: 17q21.31.
Variant type: single nucleotide variant.
Coding change: c.5153-19T>A on transcript NM_007294.4 (MANE Select); 19 bases into the intron before coding-DNA position 5153, T replaced by A.
Molecular consequence: intron variant.
Genome position (GRCh38, 1-based): chr17:43,063,392, A>T on the plus strand (T>A on the coding strand, the complement: BRCA1 is on the minus strand). VCF-style: chr17-43063392-A-T. GRCh37 (hg19) VCF-style: chr17-41215409-A-T.
Other names: c.1724-19T>A (NM_001408422.1, NM_001408423.1, NM_001408421.1 and 1 more transcripts); c.5012-19T>A (NM_001407727.1, NM_001407724.1, NM_001407697.1 and 13 more transcripts); c.4940-19T>A (NM_001407896.1, NM_001407900.1, NM_001407571.1 and 12 more transcripts); c.4817-19T>A (NM_001407952.1, NM_001407950.1, NM_001407953.1 and 3 more transcripts); c.5006-19T>A (NM_001407841.1, NM_001407838.1, NM_001407848.1 and 12 more transcripts); c.4946-19T>A (NM_001407874.1, NM_001407875.1); c.1763-19T>A (NM_001408416.1, NM_001408414.1, NM_001408415.1 and 2 more transcripts); c.4820-19T>A (NM_001407948.1, NM_001407947.1, NM_001407949.1 and 1 more transcripts); and 72 more.
Identifiers: ClinVar variation 867412 (VCV000867412.3), dbSNP rs1567768861, ClinGen allele CA916080083.